The following is an entry in ClinVar:

NM_003108.4(SOX11):c.1153G>A (p.Ala385Thr)

Gene: SOX11 (SRY-box transcription factor 11; plus strand). Cytogenetic location: 2p25.2.
Variant type: single nucleotide variant.
Coding change: c.1153G>A on transcript NM_003108.4 (MANE Select); coding-DNA position 1153, G replaced by A.
Protein change: p.Ala385Thr; replaces alanine 385 with threonine.
Molecular consequence: missense variant.
Genome position (GRCh38, 1-based): chr2:5,693,874, G>A. VCF-style: chr2-5693874-G-A. GRCh37 (hg19) VCF-style: chr2-5834006-G-A.
Other names: short protein forms A385T.
Identifiers: ClinVar variation 1679569 (VCV001679569.1), dbSNP rs2103277224, ClinGen allele CA345868244.

ClinVar aggregate classification (germline): Uncertain significance (1 of 4 stars; one submission).

Conditions:
Intellectual developmental disorder with microcephaly and with or without ocular malformations or hypogonadotropic hypogonadism. Also called: Coffin-Siris Syndrome 9; Intellectual disability, autosomal dominant 27. Identifiers: Orphanet 1465, MedGen C4014528, MONDO:0014376, OMIM 615866.

Submission:

New York Genome Center
Classification: Uncertain significance for Intellectual developmental disorder with microcephaly and with or without ocular malformations or hypogonadotropic hypogonadism. Last evaluated: 2021-04-30. Review status: criteria provided, single submitter. Criteria: NYGC Assertion Criteria 2020. Collection method: clinical testing. Allele origin: germline. Observed: 1 heterozygote. Study: CSER-NYCKidSeq.
Comment: The heterozygousc.1153G>A (p.Ala385Thr) missense variant identified in the SOX11 gene has not been reported in affected individuals in the literature. The variant is absent from the gnomAD(v3) database suggesting it is not a common benign variant in the populations represented in that database. In silico tools provide conflicting predictions about potential pathogenicity of this variant [CADD score = 22.8, REVEL score = 0.210). Based on the available evidence, the heterozygous c.1153G>A (p.Ala385Thr) missense variant identified in the SOX11 gene is reported as a variant of uncertain significance.